The following is an entry in ClinVar:

NM_001323289.2(CDKL5):c.2142del (p.Tyr716fs)

Gene: CDKL5 (cyclin dependent kinase like 5; plus strand). Cytogenetic location: Xp22.13.
Variant type: Deletion.
Coding change: c.2142del on transcript NM_001323289.2 (MANE Select); coding-DNA position 2142, one base deleted (C; older notation c.2142delC).
Protein change: p.Tyr716fs; shifts the reading frame from tyrosine 716.
Molecular consequence: frameshift variant.
Genome position (GRCh38, 1-based): chrX:18,609,560, C deleted. VCF-style (leftmost placement, unchanged base first): chrX-18609559-GC-G. GRCh37 (hg19) VCF-style: chrX-18627679-GC-G.
Other names: c.2142delC (NM_003159.2); c.2142del, p.Tyr716fs (NM_001037343.2, NM_003159.3); short protein forms Y716fs.
Identifiers: ClinVar variation 576176 (VCV000576176.11), dbSNP rs1569220925, ClinGen allele CA891843846.
Genomic context (GRCh38, chrX:18,609,559, plus strand): 5'-GCACAGCCCCCAAAGAAAATAGACACCTATACAATGATCCTGTGCCAAGGAGAGTTGGTA[GC>G]TTTTACAGAGGTAAGCCCACCCCCGGCATTCAACAGGTTCCCCTCTCCTCCCTCTCTCAC-3'

ClinVar aggregate classification (germline): Pathogenic (1 of 4 stars; one submission).

Conditions:
Angelman syndrome-like. Identifiers: MedGen CN128785.
Developmental and epileptic encephalopathy, 2 (DEE2). Also called: INFANTILE SPASM SYNDROME, X-LINKED 2; CDKL5 deficiency disorder. Identifiers: Orphanet 1934, Orphanet 3451, Orphanet 505652, MedGen C4750718, MONDO:0010396, OMIM 300672.

Submission:

Labcorp Genetics (formerly Invitae), Labcorp
Classification: Pathogenic for Developmental and epileptic encephalopathy, 2; Angelman syndrome-like. Last evaluated: 2020-02-22. Review status: criteria provided, single submitter. Criteria: Invitae Variant Classification Sherloc (09022015). Collection method: clinical testing. Allele origin: germline.
Comment: This sequence change creates a premature translational stop signal (p.Tyr716Thrfs*68) in the CDKL5 gene. It is expected to result in an absent or disrupted protein product. This variant is not present in population databases (ExAC no frequency). For these reasons, this variant has been classified as Pathogenic. Loss-of-function variants in CDKL5 are known to be pathogenic (PMID: 22872100).

Literature cited by the submitters: PubMed 22872100.